The following is an entry in ClinVar:

NM_022168.4(IFIH1):c.2665A>T (p.Lys889Ter)

Gene: IFIH1 (interferon induced with helicase C domain 1; minus strand). Cytogenetic location: 2q24.2.
Variant type: single nucleotide variant.
Coding change: c.2665A>T on transcript NM_022168.4 (MANE Select); coding-DNA position 2665, A replaced by T.
Protein change: p.Lys889Ter; replaces lysine 889 with a stop codon.
Molecular consequence: nonsense.
Genome position (GRCh38, 1-based): chr2:162,268,229, T>A on the plus strand (A>T on the coding strand, the complement: IFIH1 is on the minus strand). VCF-style: chr2-162268229-T-A. GRCh37 (hg19) VCF-style: chr2-163124739-T-A.
Other names: short protein forms K889*.
Identifiers: ClinVar variation 1343097 (VCV001343097.9), dbSNP rs1252022173, ClinGen allele CA348992057.

ClinVar aggregate classification (germline): Uncertain significance. Review status: criteria provided, multiple submitters, no conflicts (2 of 4 stars). 3 submissions from 3 submitters: Uncertain significance (2). 1 of the submissions does not count toward it. Last evaluated 2025-09-09.

Conditions:
Aicardi-Goutieres syndrome 7 (AGS7). Identifiers: Orphanet 51, MedGen C3888244, MONDO:0014367, OMIM 615846.
Immunodeficiency 95 (IMD95). Identifiers: MedGen C5676929, MONDO:0030692, OMIM 619773.
Singleton-Merten syndrome 1 (SGMRT1). Also called: Widened medullary cavities of bone, aortic calcification, abnormal dentition, and muscular weakness; Syndrome of widened medullary cavities of the metacarpals and phalanges, aortic calcification and abnormal dentition. Identifiers: Orphanet 85191, MedGen C4225427, MONDO:0024535, OMIM 182250.

Allele frequency attached by ClinVar (database versions not stated): gnomAD exomes below 0.00001; TOPMed 0.00001.
gnomAD v4.1: 2 of 1,612,964 alleles (0.00012%); highest among the groups gnomAD compares: Admixed American, 0.0017%; no homozygotes.

Submissions (3):

Labcorp Genetics (formerly Invitae), Labcorp
Classification: Uncertain significance for Aicardi-Goutieres syndrome 7; Singleton-Merten syndrome 1. Last evaluated: 2025-09-09. Review status: criteria provided, single submitter. Criteria: Invitae Variant Classification Sherloc (09022015). Collection method: clinical testing. Allele origin: germline.
Comment: This sequence change creates a premature translational stop signal (p.Lys889*) in the IFIH1 gene. It is expected to result in an absent or disrupted protein product. However, the current clinical and genetic evidence is not sufficient to establish whether loss-of-function variants in IFIH1 cause disease. This variant is present in population databases (no rsID available, gnomAD 0.003%). This variant has not been reported in the literature in individuals affected with IFIH1-related conditions. ClinVar contains an entry for this variant (Variation ID: 1343097). In summary, the available evidence is currently insufficient to determine the role of this variant in disease. Therefore, it has been classified as a Variant of Uncertain Significance.

Department of Pathology and Laboratory Medicine, Sinai Health System
Classification: Uncertain significance for Aicardi-Goutieres syndrome 7. Last evaluated: 2022-11-11. Review status: criteria provided, single submitter. Criteria: ACMG Guidelines, 2015. Collection method: research. Allele origin: germline.

OMIM
Classification: Pathogenic for IMMUNODEFICIENCY 95. Last evaluated: 2022-03-07. Review status: no assertion criteria provided. Collection method: literature only. Allele origin: germline. Not counted in ClinVar's aggregate classification.

Literature cited by the submitters: PubMed 29018476 (cited by OMIM).